The following is an entry in ClinVar:

NM_174878.3(CLRN1):c.127G>T (p.Gly43Ter)

Gene: CLRN1 (clarin 1; minus strand). Cytogenetic location: 3q25.1.
Variant type: single nucleotide variant.
Coding change: c.127G>T on transcript NM_174878.3 (MANE Select); coding-DNA position 127, G replaced by T.
Protein change: p.Gly43Ter; replaces glycine 43 with a stop codon.
Molecular consequence: nonsense. On other transcripts: non-coding transcript variant (1).
Genome position (GRCh38, 1-based): chr3:150,972,582, C>A on the plus strand (G>T on the coding strand, the complement: CLRN1 is on the minus strand). VCF-style: chr3-150972582-C-A. GRCh37 (hg19) VCF-style: chr3-150690369-C-A.
Other names: c.127G>T, p.Gly43Ter (NM_001195794.1, NM_001256819.2); short protein forms G43*.
Identifiers: ClinVar variation 4816961 (VCV004816961.1).
Genomic context (GRCh38, chr3:150,972,582, plus strand): 5'-ACTGCATTTCACCCATAAACTTGTCCAGCTCCTGCCCTGAGGCATTGACGAGCAGAGCTC[C>A]CGTTTTGCAGAGGACAGTGGCTTTGATCCACAACGGTGTCCCCAAGGCTGTCACAACTCC-3'

ClinVar aggregate classification (germline): Likely pathogenic (1 of 4 stars; one submission).

Conditions:
Usher syndrome type 3. Also called: Usher Syndrome, Type III. Identifiers: Orphanet 231183, MedGen C1568248, MONDO:0016485.

Submission:

Natera, Inc.
Classification: Likely pathogenic for Usher syndrome type 3. Last evaluated: 2024-07-28. Review status: criteria provided, single submitter. Criteria: Natera Variant Classification Schema (03/2026). Collection method: clinical testing. Allele origin: germline.
Comment: The c.127G>T variant in CLRN1 is a nonsense variant predicted to introduce a stop codon at amino acid 43. This variant is expected to result in nonsense mediated decay, truncation, or a dysfunctional protein product. This variant is rare in the general population with a frequency below the threshold expected for the associated phenotype(s). Given the available evidence, this variant is classified as Likely Pathogenic.